The following is an entry in ClinVar:

NM_000059.4(BRCA2):c.8755-3_8755-2delinsGG

Gene: BRCA2 (BRCA2 DNA repair associated; plus strand). Cytogenetic location: 13q13.1.
Variant type: Indel.
Coding change: c.8755-3_8755-2delinsGG on transcript NM_000059.4 (MANE Select); 3 bases into the intron before coding-DNA position 8755 through the canonical splice acceptor site of the intron before coding-DNA position 8755, CA replaced by GG.
Molecular consequence: splice acceptor variant.
Genome position (GRCh38, 1-based): chr13:32,379,314-32,379,315, CA replaced by GG. VCF-style: chr13-32379314-CA-GG. GRCh37 (hg19) VCF-style: chr13-32953451-CA-GG.
Identifiers: ClinVar variation 1764549 (VCV001764549.3), dbSNP rs2548554885, ClinGen allele CA2580087453.

ClinVar aggregate classification (germline): Likely pathogenic (1 of 4 stars; one submission).

Conditions:
Hereditary cancer-predisposing syndrome. Also called: Neoplastic Syndromes, Hereditary; Tumor predisposition; Hereditary Cancer Syndrome; Hereditary neoplastic syndrome. Identifiers: Orphanet 140162, MedGen C0027672, MeSH D009386, MONDO:0015356.

Submission:

Ambry Genetics
Classification: Likely pathogenic for Hereditary cancer-predisposing syndrome. Last evaluated: 2025-02-28. Review status: criteria provided, single submitter. Criteria: Ambry Variant Classification Scheme 2023. Collection method: clinical testing. Allele origin: germline.
Comment: The c.8755-3_8755-2delCAinsGG intronic variant, results from a deletion of CA nucleotides and insertion of GG nucleotides at positions c.8755-3 to c.8755-2 and involves the canonical splice acceptor site before coding exon 21 of the BRCA2 gene. The canonical splice acceptor site is well conserved in available vertebrate species. In silico splice site analysis predicts that this alteration will weaken the native splice acceptor site and will result in the creation of strengthening of a novel acceptor site; however, direct evidence is insufficient at this time (Ambry internal data). This variant is considered to be rare based on population cohorts in the Genome Aggregation Database (gnomAD). Alterations that disrupt the canonical splice site are expected to cause aberrant splicing, resulting in an abnormal protein or a transcript that is subject to nonsense-mediated mRNA decay. As such, this alteration is classified as likely pathogenic.